The following is an entry in ClinVar:

NM_000179.3(MSH6):c.722G>C (p.Ser241Thr)

Gene: MSH6 (mutS homolog 6; plus strand). Cytogenetic location: 2p16.3.
Variant type: single nucleotide variant.
Coding change: c.722G>C on transcript NM_000179.3 (MANE Select); coding-DNA position 722, G replaced by C.
Protein change: p.Ser241Thr; replaces serine 241 with threonine.
Molecular consequence: missense variant. On other transcripts: 5 prime UTR variant (2).
Genome position (GRCh38, 1-based): chr2:47,798,705, G>C. VCF-style: chr2-47798705-G-C. GRCh37 (hg19) VCF-style: chr2-48025844-G-C.
Other names: c.332G>C, p.Ser111Thr (NM_001281492.2); c.-185G>C (NM_001281493.2, NM_001281494.2); short protein forms S111T, S241T.
Identifiers: ClinVar variation 943483 (VCV000943483.10), dbSNP rs1060502906, ClinGen allele CA346740010.
Genomic context (GRCh38, chr2:47,798,705, plus strand): 5'-AAGATAATGAAATTGAGAGTGAAGAGGAAGTACAGCCTAAGACACAAGGATCTAGGCGAA[G>C]TAGCCGCCAAATAAAAAAACGAAGGGTCATATCAGATTCTGAGAGTGACATTGGTGGCTC-3'
Protein context (NP_000170.1, residues 231-251): VQPKTQGSRR[Ser241Thr]SRQIKKRRVI

ClinVar aggregate classification (germline): Uncertain significance (1 of 4 stars; one submission).

Conditions:
Hereditary nonpolyposis colorectal neoplasms. Identifiers: MedGen C0009405, MeSH D003123.

Submission:

Labcorp Genetics (formerly Invitae), Labcorp
Classification: Uncertain significance for Hereditary nonpolyposis colorectal neoplasms. Last evaluated: 2019-07-10. Review status: criteria provided, single submitter. Criteria: Invitae Variant Classification Sherloc (09022015). Collection method: clinical testing. Allele origin: germline.
Comment: This sequence change replaces serine with threonine at codon 241 of the MSH6 protein (p.Ser241Thr). The serine residue is weakly conserved and there is a small physicochemical difference between serine and threonine. This variant is not present in population databases (ExAC no frequency). This variant has not been reported in the literature in individuals with MSH6-related conditions. Algorithms developed to predict the effect of missense changes on protein structure and function are either unavailable or do not agree on the potential impact of this missense change (SIFT: "Tolerated"; PolyPhen-2: "Probably Damaging"; Align-GVGD: "Class C0"). In summary, the available evidence is currently insufficient to determine the role of this variant in disease. Therefore, it has been classified as a Variant of Uncertain Significance.